The following is an entry in ClinVar:

ClinVar aggregate classification (germline): Uncertain significance (1 of 4 stars; one submission).

Submission:

Labcorp Genetics (formerly Invitae), Labcorp
Classification: Uncertain significance. Last evaluated: 2025-07-06. Review status: criteria provided, single submitter. Criteria: Invitae Variant Classification Sherloc (09022015). Collection method: clinical testing. Allele origin: germline.
Comment: This sequence change replaces proline, which is neutral and non-polar, with serine, which is neutral and polar, at codon 820 of the MICAL1 protein (p.Pro820Ser). This variant is not present in population databases (gnomAD no frequency). This variant has not been reported in the literature in individuals affected with MICAL1-related conditions. ClinVar contains an entry for this variant (Variation ID: 3676701). An algorithm developed to predict the effect of missense changes on protein structure and function (PolyPhen-2) suggests that this variant is likely to be disruptive. In summary, the available evidence is currently insufficient to determine the role of this variant in disease. Therefore, it has been classified as a Variant of Uncertain Significance.

NM_022765.4(MICAL1):c.2401C>T (p.Pro801Ser)

Gene: MICAL1 (microtubule associated monooxygenase, calponin and LIM domain containing 1; minus strand). Cytogenetic location: 6q21.
Variant type: single nucleotide variant.
Coding change: c.2401C>T on transcript NM_022765.4 (MANE Select); coding-DNA position 2401, C replaced by T.
Protein change: p.Pro801Ser; replaces proline 801 with serine.
Molecular consequence: missense variant.
Genome position (GRCh38, 1-based): chr6:109,446,316, G>A on the plus strand (C>T on the coding strand, the complement: MICAL1 is on the minus strand). VCF-style: chr6-109446316-G-A. GRCh37 (hg19) VCF-style: chr6-109767519-G-A.
Other names: c.2143C>T, p.Pro715Ser (NM_001159291.2); c.2458C>T, p.Pro820Ser (NM_001286613.2); short protein forms P801S, P820S, P715S.
Identifiers: ClinVar variation 3676701 (VCV003676701.2).